The following is an entry in ClinVar:

ClinVar aggregate classification (germline): Uncertain significance (1 of 4 stars; one submission).

Allele frequency attached by ClinVar (database versions not stated): gnomAD exomes 0.00001; ExAC 0.00002.
gnomAD v4.1: 4 of 1,613,124 alleles (0.00025%); highest among the groups gnomAD compares: East Asian, 0.0022%; no homozygotes.

Submission:

Labcorp Genetics (formerly Invitae), Labcorp
Classification: Uncertain significance. Last evaluated: 2022-06-28. Review status: criteria provided, single submitter. Criteria: Invitae Variant Classification Sherloc (09022015). Collection method: clinical testing. Allele origin: germline.
Comment: In summary, the available evidence is currently insufficient to determine the role of this variant in disease. Therefore, it has been classified as a Variant of Uncertain Significance. Algorithms developed to predict the effect of missense changes on protein structure and function output the following: SIFT: "Not Available"; PolyPhen-2: "Benign"; Align-GVGD: "Not Available". The arginine amino acid residue is found in multiple mammalian species, which suggests that this missense change does not adversely affect protein function. This variant has not been reported in the literature in individuals affected with COX15-related conditions. This variant is present in population databases (rs766993411, gnomAD 0.006%). This sequence change replaces glutamine, which is neutral and polar, with arginine, which is basic and polar, at codon 16 of the COX15 protein (p.Gln16Arg).

NM_078470.6(COX15):c.47A>G (p.Gln16Arg)

Genes: COX15 (cytochrome c oxidase assembly factor COX15; minus strand), LOC130004506 (ATAC-STARR-seq lymphoblastoid active region 3872; plus strand). Cytogenetic location: 10q24.2.
Variant type: single nucleotide variant.
Coding change: c.47A>G on transcript NM_078470.6 (MANE Select); coding-DNA position 47, A replaced by G.
Protein change: p.Gln16Arg; replaces glutamine 16 with arginine.
Molecular consequence: missense variant. On other transcripts: 5 prime UTR variant (1), non-coding transcript variant (1).
Genome position (GRCh38, 1-based): chr10:99,732,003, T>C on the plus strand (A>G on the coding strand, the complement: COX15 is on the minus strand). VCF-style: chr10-99732003-T-C. GRCh37 (hg19) VCF-style: chr10-101491760-T-C.
Other names: c.47A>G, p.Gln16Arg (NM_001320974.2, NM_001320975.2, NM_001372024.1 and 5 more transcripts); c.-408A>G (NM_001320976.2); short protein forms Q16R.
Identifiers: ClinVar variation 1460892 (VCV001460892.6), dbSNP rs766993411, ClinGen allele CA5642390.
Genomic context (GRCh38, chr10:99,732,003, plus strand): 5'-CCGCTGCAGTGCGGTACCTGTGCTCTAGGCGCTGCCCTAGGAGCCAGGAGCGGCAGATAC[T>C]GCCTCCCCTTCAAGGCCCTCAACGGCGGAAAGAGCAATCGCTGCATACTGATGACAGGGA-3'
Protein context (NP_510870.1, residues 6-26): FPPLRALKGR[Gln16Arg]YLPLLAPRAA